The following is an entry in ClinVar:

ClinVar aggregate classification (germline): Pathogenic (1 of 4 stars; one submission).

Conditions:
Generalized epilepsy with febrile seizures plus, type 7 (GEFSP7). Also called: GEFS+, TYPE 7. Identifiers: Orphanet 36387, MedGen C2751778, MONDO:0013470, OMIM 613863.
Neuropathy, hereditary sensory and autonomic, type 2A (HSAN2A). Also called: HSAN IIA; WNK1-Related HSAN2 (HSAN2A); MORVAN DISEASE; NEUROPATHY, CONGENITAL SENSORY; NEUROPATHY, HEREDITARY SENSORY RADICULAR, AUTOSOMAL RECESSIVE; NEUROPATHY, HEREDITARY SENSORY, TYPE IIA. Identifiers: Orphanet 970, MedGen C2752089, MONDO:0024309, OMIM 201300.

Submission:

Labcorp Genetics (formerly Invitae), Labcorp
Classification: Pathogenic for Neuropathy, hereditary sensory and autonomic, type 2A; Generalized epilepsy with febrile seizures plus, type 7. Last evaluated: 2018-09-20. Review status: criteria provided, single submitter. Criteria: Invitae Variant Classification Sherloc (09022015). Collection method: clinical testing. Allele origin: germline.
Comment: This sequence change creates a premature translational stop signal (p.Ile984Thrfs*2) in the SCN9A gene. It is expected to result in an absent or disrupted protein product. This variant is not present in population databases (ExAC no frequency). This variant has not been reported in the literature in individuals with SCN9A-related disease. Loss-of-function variants in SCN9A are known to be pathogenic (PMID: 17470132, 19304393). For these reasons, this variant has been classified as Pathogenic.

Literature cited by the submitters: PubMed 17470132; PubMed 19304393.

NM_001365536.1(SCN9A):c.2984delinsCC (p.Ile995fs)

Genes: SCN9A (sodium voltage-gated channel alpha subunit 9; minus strand), SCN1A-AS1 (SCN1A and SCN9A antisense RNA 1; plus strand). Cytogenetic location: 2q24.3.
Variant type: Indel.
Coding change: c.2984delinsCC on transcript NM_001365536.1 (MANE Select); coding-DNA position 2984, T replaced by CC.
Protein change: p.Ile995fs; shifts the reading frame from isoleucine 995.
Molecular consequence: frameshift variant.
Genome position (GRCh38, 1-based): chr2:166,272,766, A replaced by GG on the plus strand (T replaced by CC on the coding strand, the reverse complement: SCN9A is on the minus strand). VCF-style: chr2-166272766-A-GG. GRCh37 (hg19) VCF-style: chr2-167129276-A-GG.
Other names: c.2951delTinsCC, p.Ile984Thrfs (NM_002977.4); short protein forms I984fs, I995fs.
Identifiers: ClinVar variation 663011 (VCV000663011.4), dbSNP rs1574844397, ClinGen allele CA915942953.